The following is an entry in ClinVar:

NM_018191.4(RCBTB1):c.1490_1493del (p.Asn497fs)

Gene: RCBTB1 (RCC1 and BTB domain containing protein 1; minus strand). Cytogenetic location: 13q14.2.
Variant type: Microsatellite.
Coding change: c.1490_1493del on transcript NM_018191.4 (MANE Select); coding-DNA positions 1490 to 1493, 4 bases deleted (ATCA; older notation c.1490_1493delATCA).
Protein change: p.Asn497fs; shifts the reading frame from asparagine 497.
Molecular consequence: frameshift variant. On other transcripts: non-coding transcript variant (2).
Genome position (GRCh38, 1-based): chr13:49,534,225-49,534,228, TGAT deleted on the plus strand (ATCA on the coding strand, the reverse complement: RCBTB1 is on the minus strand); deleting any 4 consecutive bases within chr13:49,534,225-49,534,232 gives the same sequence; the c. name uses the placement nearest the transcript's 3' end. VCF-style (leftmost placement, unchanged base first): chr13-49534224-ATGAT-A. GRCh37 (hg19) VCF-style: chr13-50108360-ATGAT-A.
Other names: c.1490_1493del, p.Asn497fs (NM_001352500.2, NM_001352501.2, NM_001352502.2 and 1 more transcripts); c.911_914del, p.Asn304fs (NM_001352506.2); short protein forms N304fs, N497fs.
Identifiers: ClinVar variation 1491026 (VCV001491026.6), dbSNP rs2139103584, ClinGen allele CA2580614728.

ClinVar aggregate classification (germline): Uncertain significance (1 of 4 stars; one submission).

Submission:

Labcorp Genetics (formerly Invitae), Labcorp
Classification: Uncertain significance. Last evaluated: 2022-06-05. Review status: criteria provided, single submitter. Criteria: Invitae Variant Classification Sherloc (09022015). Collection method: clinical testing. Allele origin: germline.
Comment: This sequence change creates a premature translational stop signal (p.Asn497Ilefs*2) in the RCBTB1 gene. While this is not anticipated to result in nonsense mediated decay, it is expected to disrupt the last 35 amino acid(s) of the RCBTB1 protein. This variant is not present in population databases (gnomAD no frequency). This variant has not been reported in the literature in individuals affected with RCBTB1-related conditions. Experimental studies and prediction algorithms are not available or were not evaluated, and the functional significance of this variant is currently unknown. In summary, the available evidence is currently insufficient to determine the role of this variant in disease. Therefore, it has been classified as a Variant of Uncertain Significance.